The following is an entry in ClinVar:

NM_007294.4(BRCA1):c.2256_2260del (p.Ser753fs)

Gene: BRCA1 (BRCA1 DNA repair associated; minus strand). Cytogenetic location: 17q21.31.
Variant type: Deletion.
Coding change: c.2256_2260del on transcript NM_007294.4 (MANE Select); coding-DNA positions 2256 to 2260, 5 bases deleted (AAGTG; older notation c.2256_2260delAAGTG).
Protein change: p.Ser753fs; shifts the reading frame from serine 753.
Molecular consequence: frameshift variant. On other transcripts: intron variant (137).
Genome position (GRCh38, 1-based): chr17:43,093,271-43,093,275, CACTT deleted on the plus strand (AAGTG on the coding strand, the reverse complement: BRCA1 is on the minus strand). VCF-style (leftmost placement, unchanged base first): chr17-43093270-CCACTT-C. GRCh37 (hg19) VCF-style: chr17-41245287-CCACTT-C.
Other names: c.2253_2257del, p.Ser752fs (NM_001407613.1, NM_001407614.1, NM_001407615.1 and 22 more transcripts); c.2256_2260del, p.Ser753fs (NM_001407616.1, NM_001407617.1, NM_001407618.1 and 30 more transcripts); c.2247_2251del, p.Ser750fs (NM_001407646.1, NM_001407647.1); c.2133_2137del, p.Ser712fs (NM_001407648.1, NM_001407664.1, NM_001407665.1 and 19 more transcripts); c.2130_2134del, p.Ser711fs (NM_001407649.1, NM_001407670.1, NM_001407671.1 and 11 more transcripts); c.2178_2182del, p.Ser727fs (NM_001407653.1, NM_001407654.1, NM_001407655.1 and 4 more transcripts); c.2043_2047del, p.Ser682fs (NM_001407571.1, NM_001407853.1, NM_001407894.1 and 9 more transcripts); c.2175_2179del, p.Ser726fs (NM_001407659.1, NM_001407660.1, NM_001407661.1 and 1 more transcripts); and 42 more; short protein forms S753fs, S706fs, S585fs, S625fs, S683fs, S705fs, S727fs, S457fs.
Identifiers: ClinVar variation 965126 (VCV000965126.9), dbSNP rs2053792576, ClinGen allele CA1139664780.
Genomic context (GRCh38, chr17:43,093,270, plus strand): 5'-CCAGGTACCAATGAAATACTGCTACTCTCTACAGATCTTTCAGTTTGCAAAACCCTTTCT[CCACTT>C]AACATGAGATCTTTGGGGTCTTCAGCATTATTAGACACTTTAACTGTTTCTAGTTTCTCT-3'

ClinVar aggregate classification (germline): Pathogenic (1 of 4 stars; one submission).

Conditions:
Hereditary breast ovarian cancer syndrome. Also called: Hereditary breast and ovarian cancer; Hereditary breast and/or ovarian cancer syndrome; Hereditary breast and ovarian cancer syndrome; Hereditary breast and ovarian cancer syndrome (HBOC); Breast and ovarian cancer; BRCA1- and BRCA2-Associated Hereditary Breast and Ovarian Cancer. Identifiers: Orphanet 145, MedGen C0677776, MeSH D061325, MONDO:0003582. Disease mechanism: loss of function.

Allele frequency attached by ClinVar (database versions not stated): gnomAD exomes below 0.00001.

Submission:

Labcorp Genetics (formerly Invitae), Labcorp
Classification: Pathogenic for Hereditary breast ovarian cancer syndrome. Last evaluated: 2020-02-03. Review status: criteria provided, single submitter. Criteria: Invitae Variant Classification Sherloc (09022015). Collection method: clinical testing. Allele origin: germline.
Comment: Loss-of-function variants in BRCA1 are known to be pathogenic (PMID: 20104584). For these reasons, this variant has been classified as Pathogenic. This variant has not been reported in the literature in individuals with BRCA1-related conditions. This variant is not present in population databases (ExAC no frequency). This sequence change creates a premature translational stop signal (p.Ser753Argfs*7) in the BRCA1 gene. It is expected to result in an absent or disrupted protein product.

Literature cited by the submitters: PubMed 20104584.